The following is an entry in ClinVar:

NM_015450.3(POT1):c.416G>A (p.Trp139Ter)

Gene: POT1 (protection of telomeres 1; minus strand). Cytogenetic location: 7q31.33.
Variant type: single nucleotide variant.
Coding change: c.416G>A on transcript NM_015450.3 (MANE Select); coding-DNA position 416, G replaced by A.
Protein change: p.Trp139Ter; replaces tryptophan 139 with a stop codon.
Molecular consequence: nonsense. On other transcripts: non-coding transcript variant (3).
Genome position (GRCh38, 1-based): chr7:124,863,480, C>T on the plus strand (G>A on the coding strand, the complement: POT1 is on the minus strand). VCF-style: chr7-124863480-C-T. GRCh37 (hg19) VCF-style: chr7-124503534-C-T.
Other names: c.23G>A, p.Trp8Ter (NM_001042594.2); short protein forms W139*, W8*.
Identifiers: ClinVar variation 4141949 (VCV004141949.1).

ClinVar aggregate classification (germline): Pathogenic (1 of 4 stars; one submission).

Conditions:
Hereditary cancer-predisposing syndrome. Also called: Hereditary neoplastic syndrome; Neoplastic Syndromes, Hereditary; Tumor predisposition; Hereditary Cancer Syndrome. Identifiers: Orphanet 140162, MedGen C0027672, MeSH D009386, MONDO:0015356.

gnomAD v4.1: 1 of 1,613,936 alleles (0.000062%); highest among the groups gnomAD compares: Non-Finnish European, 0.000085%; no homozygotes.

Submission:

Ambry Genetics
Classification: Pathogenic for Hereditary cancer-predisposing syndrome. Last evaluated: 2025-09-05. Review status: criteria provided, single submitter. Criteria: Ambry Variant Classification Scheme 2023. Collection method: clinical testing. Allele origin: germline.
Comment: The p.W139* pathogenic mutation (also known as c.416G>A), located in coding exon 4 of the POT1 gene, results from a G to A substitution at nucleotide position 416. This changes the amino acid from a tryptophan to a stop codon within coding exon 4. This variant is considered to be rare based on population cohorts in the Genome Aggregation Database (gnomAD). This alteration is expected to result in loss of function by premature protein truncation or nonsense-mediated mRNA decay. As such, this alteration is interpreted as a disease-causing mutation.